The following is an entry in ClinVar:

NM_000059.4(BRCA2):c.1280A>C (p.Asp427Ala)

Gene: BRCA2 (BRCA2 DNA repair associated; plus strand). Cytogenetic location: 13q13.1.
Variant type: single nucleotide variant.
Coding change: c.1280A>C on transcript NM_000059.4 (MANE Select); coding-DNA position 1280, A replaced by C.
Protein change: p.Asp427Ala; replaces aspartic acid 427 with alanine.
Molecular consequence: missense variant.
Genome position (GRCh38, 1-based): chr13:32,332,758, A>C. VCF-style: chr13-32332758-A-C. GRCh37 (hg19) VCF-style: chr13-32906895-A-C.
Other names: c.1280A>C, p.Asp427Ala (NM_001406719.1, NM_001406720.1, NM_001406721.1); short protein forms D427A.
Identifiers: ClinVar variation 1767763 (VCV001767763.4), dbSNP rs1555281813, ClinGen allele CA387762428.

ClinVar aggregate classification (germline): Conflicting classifications of pathogenicity. Review status: criteria provided, conflicting classifications (1 of 4 stars). 2 submissions from 2 submitters: Uncertain significance (1); Likely benign (1). Last evaluated 2023-03-23.

Conditions:
Hereditary cancer-predisposing syndrome. Also called: Hereditary Cancer Syndrome; Hereditary neoplastic syndrome; Neoplastic Syndromes, Hereditary; Tumor predisposition. Identifiers: Orphanet 140162, MedGen C0027672, MeSH D009386, MONDO:0015356.

Submissions (2):

University of Washington Department of Laboratory Medicine, University of Washington
Classification: Likely benign for Hereditary cancer-predisposing syndrome. Last evaluated: 2023-03-23. Review status: criteria provided, single submitter. Criteria: Dines et al. (Genet Med. 2020). Collection method: curation. Allele origin: germline.
Comment: Missense variant in a coldspot region where missense variants are very unlikely to be pathogenic (PMID:31911673).

BRCA2 exon 10 coldspot. Reclassification based on statistical prior probability.

Ambry Genetics
Classification: Uncertain significance for Hereditary cancer-predisposing syndrome. Last evaluated: 2021-03-01. Review status: criteria provided, single submitter. Criteria: Ambry Variant Classification Scheme 2023. Collection method: clinical testing. Allele origin: germline.
Comment: The p.D427A variant (also known as c.1280A>C), located in coding exon 9 of the BRCA2 gene, results from an A to C substitution at nucleotide position 1280. The aspartic acid at codon 427 is replaced by alanine, an amino acid with dissimilar properties. This amino acid position is well conserved in available vertebrate species. In addition, this alteration is predicted to be tolerated by in silico analysis. Since supporting evidence is limited at this time, the clinical significance of this alteration remains unclear.